The following is an entry in ClinVar:

NM_016169.4(SUFU):c.*3290C>G

Gene: SUFU (SUFU negative regulator of hedgehog signaling; plus strand). Cytogenetic location: 10q24.32.
Variant type: single nucleotide variant.
Coding change: c.*3290C>G on transcript NM_016169.4 (MANE Select); 3290 bases downstream of the stop codon, C replaced by G.
Molecular consequence: 3 prime UTR variant.
Genome position (GRCh38, 1-based): chr10:102,633,445, C>G. VCF-style: chr10-102633445-C-G. GRCh37 (hg19) VCF-style: chr10-104393202-C-G.
Identifiers: ClinVar variation 298614 (VCV000298614.5), dbSNP rs112808377, ClinGen allele CA10627954.

ClinVar aggregate classification (germline): Likely benign (1 of 4 stars; one submission).

Conditions:
Medulloblastoma (MDB). Also called: Medulloblastoma, somatic; MEDULLOBLASTOMA PREDISPOSITION SYNDROME. Identifiers: Orphanet 616, MedGen C0025149, MeSH D008527, MONDO:0007959, OMIM 155255, HP:0002885.

Allele frequency attached by ClinVar (database versions not stated): 1000 Genomes Project 0.00359; 1000 Genomes Project 30x 0.00406; gnomAD 0.00605 and 0.00612; TOPMed 0.00624; gnomAD exomes 0.00720.
gnomAD v4.1: 1,477 of 230,454 alleles (0.64%); highest among the groups gnomAD compares: Middle Eastern, 1%; 6 homozygotes.

Submission:

Illumina Laboratory Services, Illumina
Classification: Likely benign for Medulloblastoma. Last evaluated: 2018-01-13. Review status: criteria provided, single submitter. Criteria: ICSL Variant Classification Criteria 13 December 2019. Collection method: clinical testing. Allele origin: germline.
Comment: This variant was observed in the ICSL laboratory as part of a predisposition screen in an ostensibly healthy population. It had not been previously curated by ICSL or reported in the Human Gene Mutation Database (HGMD: prior to June 1st, 2018), and was therefore a candidate for classification through an automated scoring system. Utilizing variant allele frequency, disease prevalence and penetrance estimates, and inheritance mode, an automated score was calculated to assess if this variant is too frequent to cause the disease. Based on the score and internal cut-off values, a variant classified as likely benign is not then subjected to further curation. The score for this variant resulted in a classification of likely benign for this disease.